The following is an entry in ClinVar:

NM_007375.4(TARDBP):c.*73G>C

Gene: TARDBP (TAR DNA binding protein; plus strand). Cytogenetic location: 1p36.22.
Variant type: single nucleotide variant.
Coding change: c.*73G>C on transcript NM_007375.4 (MANE Select); 73 bases downstream of the stop codon, G replaced by C.
Molecular consequence: 3 prime UTR variant.
Genome position (GRCh38, 1-based): chr1:11,022,727, G>C. VCF-style: chr1-11022727-G-C. GRCh37 (hg19) VCF-style: chr1-11082784-G-C.
Identifiers: ClinVar variation 873795 (VCV000873795.8), dbSNP rs185638796, ClinGen allele CA17876618.

ClinVar aggregate classification (germline): Benign/Likely benign. Review status: criteria provided, multiple submitters, no conflicts (2 of 4 stars). 2 submissions from 2 submitters: Benign (1); Likely benign (1). Last evaluated 2025-10-10.

Conditions:
Amyotrophic lateral sclerosis type 10 (ALS10). Also called: AMYOTROPHIC LATERAL SCLEROSIS 10 WITHOUT FRONTOTEMPORAL DEMENTIA AND WITH TDP43 INCLUSIONS; AMYOTROPHIC LATERAL SCLEROSIS 10 WITH OR WITHOUT FRONTOTEMPORAL DEMENTIA AND WITH TDP43 INCLUSIONS; AMYOTROPHIC LATERAL SCLEROSIS 10 WITH OR WITHOUT FRONTOTEMPORAL DEMENTIA; Amyotrophic lateral sclerosis 10, with or without FTD; TARDBP-Related Amyotrophic Lateral Sclerosis-Frontotemporal Dementia. Identifiers: Orphanet 275872, Orphanet 803, MedGen C2677565, MONDO:0012790, OMIM 612069.
TARDBP-related disorder. Also called: TARDBP-related condition.

Allele frequency attached by ClinVar (database versions not stated): TOPMed 0.00002; gnomAD 0.00003 and 0.00011; 1000 Genomes Project 30x 0.00047; 1000 Genomes Project 0.00060.
gnomAD v4.1: 309 of 1,552,498 alleles (0.02%); highest among the groups gnomAD compares: East Asian, 0.69%; 4 homozygotes.

Submissions (2):

PreventionGenetics, part of Exact Sciences
Classification: Likely benign for TARDBP-related condition. Last evaluated: 2025-10-10. Review status: criteria provided, single submitter. Criteria: ACMG Guidelines, 2015. Collection method: clinical testing. Allele origin: germline.
Comment: This variant is classified as likely benign based on ACMG/AMP sequence variant interpretation guidelines (Richards et al. 2015 PMID: 25741868, with internal and published modifications).

Illumina Laboratory Services, Illumina
Classification: Benign for Amyotrophic lateral sclerosis type 10. Last evaluated: 2018-01-12. Review status: criteria provided, single submitter. Criteria: ICSL Variant Classification Criteria 13 December 2019. Collection method: clinical testing. Allele origin: germline.
Comment: This variant was observed in the ICSL laboratory as part of a predisposition screen in an ostensibly healthy population. It had not been previously curated by ICSL or reported in the Human Gene Mutation Database (HGMD: prior to June 1st, 2018), and was therefore a candidate for classification through an automated scoring system. Utilizing variant allele frequency, disease prevalence and penetrance estimates, and inheritance mode, an automated score was calculated to assess if this variant is too frequent to cause the disease. Based on the score and internal cut-off values, a variant classified as benign is not then subjected to further curation. The score for this variant resulted in a classification of benign for this disease.